The following is an entry in ClinVar:

NM_019844.4(SLCO1B3):c.459A>G (p.Thr153=)

Genes: SLCO1B3 (solute carrier organic anion transporter family member 1B3; plus strand), SLCO1B3-SLCO1B7 (SLCO1B3-SLCO1B7 readthrough; plus strand). Cytogenetic location: 12p12.2.
Variant type: single nucleotide variant.
Coding change: c.459A>G on transcript NM_019844.4 (MANE Select); coding-DNA position 459, A replaced by G.
Protein change: p.Thr153=; no amino-acid change (threonine 153 retained).
Molecular consequence: synonymous variant.
Genome position (GRCh38, 1-based): chr12:20,861,116, A>G. VCF-style: chr12-20861116-A-G. GRCh37 (hg19) VCF-style: chr12-21014050-A-G.
Other names: c.459A>G, p.Thr153= (NM_001371097.1); c.375A>G, p.Thr125= (NM_001349920.2).
Identifiers: ClinVar variation 881392 (VCV000881392.7), dbSNP rs370334648, ClinGen allele CA6475180.

ClinVar aggregate classification (germline): Conflicting classifications of pathogenicity. Review status: criteria provided, conflicting classifications (1 of 4 stars). 4 submissions from 4 submitters: Uncertain significance (1); Likely benign (2). 1 of the submissions does not count toward it. Last evaluated 2024-11-19.

Conditions:
Rotor syndrome (HBLRR). Also called: HYPERBILIRUBINEMIA, ROTOR TYPE, DIGENIC; HYPERBILIRUBINEMIA, ROTOR TYPE. Identifiers: Orphanet 3111, MedGen C0220991, MONDO:0009379, OMIM 237450.
SLCO1B3-related disorder. Also called: SLCO1B3-related condition.

Allele frequency attached by ClinVar (database versions not stated): ExAC 0.00004; gnomAD exomes 0.00004 and 0.00005; TOPMed 0.00006; gnomAD 0.00008; ESP Exome Variant Server 0.00015.
gnomAD v4.1: 77 of 1,587,588 alleles (0.0049%); highest among the groups gnomAD compares: Non-Finnish European, 0.0058%; no homozygotes.

Submissions (4):

Blueprint Genetics
Classification: Likely benign. Last evaluated: 2024-11-19. Review status: criteria provided, single submitter. Criteria: ACMG Guidelines, 2015. Collection method: clinical testing. Allele origin: germline.

ARUP Laboratories, Molecular Genetics and Genomics, ARUP Laboratories
Classification: Likely benign for Rotor syndrome. Last evaluated: 2023-01-30. Review status: criteria provided, single submitter. Criteria: ARUP Molecular Germline Variant Investigation Process 2024. Collection method: clinical testing. Allele origin: germline.

Illumina Laboratory Services, Illumina
Classification: Uncertain significance for Rotor syndrome. Last evaluated: 2018-01-13. Review status: criteria provided, single submitter. Criteria: ICSL Variant Classification Criteria 13 December 2019. Collection method: clinical testing. Allele origin: germline.

PreventionGenetics, part of Exact Sciences
Classification: Likely benign for SLCO1B3-related condition. Last evaluated: 2024-06-20. Review status: no assertion criteria provided. Collection method: clinical testing. Allele origin: germline. Not counted in ClinVar's aggregate classification.
Comment: This variant is classified as likely benign based on ACMG/AMP sequence variant interpretation guidelines (Richards et al. 2015 PMID: 25741868, with internal and published modifications).